The following is an entry in ClinVar:

NM_001220.5(CAMK2B):c.763A>G (p.Ile255Val)

Gene: CAMK2B (calcium/calmodulin dependent protein kinase II beta; minus strand). Cytogenetic location: 7p13.
Variant type: single nucleotide variant.
Coding change: c.763A>G on transcript NM_001220.5 (MANE Select); coding-DNA position 763, A replaced by G.
Protein change: p.Ile255Val; replaces isoleucine 255 with valine.
Molecular consequence: missense variant.
Genome position (GRCh38, 1-based): chr7:44,242,274, T>C on the plus strand (A>G on the coding strand, the complement: CAMK2B is on the minus strand). VCF-style: chr7-44242274-T-C. GRCh37 (hg19) VCF-style: chr7-44281873-T-C.
Other names: c.763A>G, p.Ile255Val (NM_001293170.2, NM_172078.3, NM_172079.3 and 5 more transcripts); short protein forms I255V.
Identifiers: ClinVar variation 4085866 (VCV004085866.8).

ClinVar aggregate classification (germline): Uncertain significance (1 of 4 stars; one submission).

gnomAD v4.1: 1 of 1,613,902 alleles (0.000062%); highest among the groups gnomAD compares: African/African-American, 0.0013%; no homozygotes.

Submission:

CeGaT Center for Human Genetics Tuebingen
Classification: Uncertain significance. Last evaluated: 2025-08-01. Review status: criteria provided, single submitter. Criteria: CeGaT Center For Human Genetics Tuebingen Variant Classification Criteria Version 2. Collection method: clinical testing. Allele origin: germline. Affected: yes. Observed: 1 variant allele.
Comment: CAMK2B: PM2, PP2